The following is an entry in ClinVar:

ClinVar aggregate classification (germline): Benign. Review status: criteria provided, multiple submitters, no conflicts (2 of 4 stars). 3 submissions from 3 submitters: Benign (2). 1 of the submissions does not count toward it. Last evaluated 2019-12-31.

Conditions:
AXIN1-related disorder. Also called: AXIN1-related condition.

Allele frequency attached by ClinVar (database versions not stated): gnomAD exomes 0.00225; ExAC 0.00292; gnomAD 0.00688; ESP Exome Variant Server 0.00723; TOPMed 0.00790; 1000 Genomes Project 0.00839; 1000 Genomes Project 30x 0.00874.
gnomAD v4.1: 2,734 of 1,578,520 alleles (0.17%); highest among the groups gnomAD compares: African/African-American, 2.4%; 31 homozygotes.

Submissions (3):

Labcorp Genetics (formerly Invitae), Labcorp
Classification: Benign. Last evaluated: 2019-12-31. Review status: criteria provided, single submitter. Criteria: Invitae Variant Classification Sherloc (09022015). Collection method: clinical testing. Allele origin: germline.

Breakthrough Genomics
Classification: Benign. Review status: criteria provided, single submitter. Criteria: ACMG Guidelines, 2015. Collection method: not provided. Allele origin: germline. Inheritance: Other. Affected: yes.

PreventionGenetics, part of Exact Sciences
Classification: Benign for AXIN1-related condition. Last evaluated: 2024-09-17. Review status: no assertion criteria provided. Collection method: clinical testing. Allele origin: germline. Not counted in ClinVar's aggregate classification.
Comment: This variant is classified as benign based on ACMG/AMP sequence variant interpretation guidelines (Richards et al. 2015 PMID: 25741868, with internal and published modifications).

NM_003502.4(AXIN1):c.1656C>T (p.Ala552=)

Gene: AXIN1 (axin 1; minus strand). Cytogenetic location: 16p13.3.
Variant type: single nucleotide variant.
Coding change: c.1656C>T on transcript NM_003502.4 (MANE Select); coding-DNA position 1656, C replaced by T.
Protein change: p.Ala552=; no amino-acid change (alanine 552 retained).
Molecular consequence: synonymous variant. On other transcripts: non-coding transcript variant (1).
Genome position (GRCh38, 1-based): chr16:297,850, G>A on the plus strand (C>T on the coding strand, the complement: AXIN1 is on the minus strand). VCF-style: chr16-297850-G-A. GRCh37 (hg19) VCF-style: chr16-347850-G-A.
Other names: c.1656C>T, p.Ala552= (NM_181050.3).
Identifiers: ClinVar variation 712176 (VCV000712176.6), dbSNP rs115321780, ClinGen allele CA7774132.
Genomic context (GRCh38, chr16:297,850, plus strand): 5'-CCCATGGCTGTGTGGTTCCAGGCCCCAGGCGAAGCTGCTCTGGGCCCTGCGGGTGGCCTC[G>A]GCCTCCACCTGCTCCTTGGGCCGGGCTGTGCTGTGGTGGACGTGGTGGTGGACGTGTCGG-3'
Protein context (NP_003493.1, residues 542-562): STARPKEQVE[Ala552=]EATRRAQSSF